The following is an entry in ClinVar:

NM_012082.4(ZFPM2):c.1851G>A (p.Glu617=)

Genes: ZFPM2 (zinc finger protein, FOG family member 2; plus strand), ZFPM2-AS1 (ZFPM2 antisense RNA 1; minus strand). Cytogenetic location: 8q23.1.
Variant type: single nucleotide variant.
Coding change: c.1851G>A on transcript NM_012082.4 (MANE Select); coding-DNA position 1851, G replaced by A.
Protein change: p.Glu617=; no amino-acid change (glutamic acid 617 retained).
Molecular consequence: synonymous variant.
Genome position (GRCh38, 1-based): chr8:105,801,933, G>A. VCF-style: chr8-105801933-G-A. GRCh37 (hg19) VCF-style: chr8-106814161-G-A.
Other names: c.1692G>A, p.Glu564= (NM_001362836.2); c.1455G>A, p.Glu485= (NM_001362837.2).
Identifiers: ClinVar variation 260173 (VCV000260173.29), dbSNP rs376766358, ClinGen allele CA4839815.

ClinVar aggregate classification (germline): Likely benign. Review status: criteria provided, multiple submitters, no conflicts (2 of 4 stars). 3 submissions from 3 submitters: Likely benign (3). Last evaluated 2025-02-03.

Conditions:
46,XY sex reversal 9 (SRXY9). Also called: 46,XY SEX REVERSAL, ZFPM2-RELATED. Identifiers: Orphanet 251510, MedGen C4015129, MONDO:0014480, OMIM 616067.

Allele frequency attached by ClinVar (database versions not stated): gnomAD exomes 0.00003; ESP Exome Variant Server 0.00008; ExAC 0.00001; gnomAD 0.00001; TOPMed 0.00001.
gnomAD v4.1: 41 of 1,613,768 alleles (0.0025%); highest among the groups gnomAD compares: Middle Eastern, 0.016%; no homozygotes.

Submissions (3):

Labcorp Genetics (formerly Invitae), Labcorp
Classification: Likely benign for 46,XY sex reversal 9. Last evaluated: 2025-02-03. Review status: criteria provided, single submitter. Criteria: Invitae Variant Classification Sherloc (09022015). Collection method: clinical testing. Allele origin: germline.

CeGaT Center for Human Genetics Tuebingen
Classification: Likely benign. Last evaluated: 2023-06-01. Review status: criteria provided, single submitter. Criteria: CeGaT Center For Human Genetics Tuebingen Variant Classification Criteria Version 2. Collection method: clinical testing. Allele origin: germline. Affected: yes. Observed: 1 variant allele.
Comment: ZFPM2: BP4, BP7

PreventionGenetics, part of Exact Sciences
Classification: Likely benign. Review status: criteria provided, single submitter. Criteria: ACMG Guidelines, 2015. Collection method: clinical testing. Allele origin: germline.